The following is an entry in ClinVar:

NM_001242.5(CD27):c.779C>T (p.Pro260Leu)

Genes: CD27 (CD27 molecule; plus strand), CD27-AS1 (CD27 antisense RNA 1; minus strand). Cytogenetic location: 12p13.31.
Variant type: single nucleotide variant.
Coding change: c.779C>T on transcript NM_001242.5 (MANE Select); coding-DNA position 779, C replaced by T.
Protein change: p.Pro260Leu; replaces proline 260 with leucine.
Molecular consequence: missense variant. On other transcripts: non-coding transcript variant (5).
Genome position (GRCh38, 1-based): chr12:6,451,388, C>T. VCF-style: chr12-6451388-C-T. GRCh37 (hg19) VCF-style: chr12-6560554-C-T.
Other names: c.872C>T, p.Pro291Leu (NM_001413263.1); c.752C>T, p.Pro251Leu (NM_001413264.1); c.599C>T, p.Pro200Leu (NM_001413265.1); c.329C>T, p.Pro110Leu (NM_001413266.1, NM_001413267.1, NM_001413268.1); short protein forms P200L, P251L, P260L, P291L, P110L.
Identifiers: ClinVar variation 3680462 (VCV003680462.2).

ClinVar aggregate classification (germline): Uncertain significance (1 of 4 stars; one submission).

Conditions:
Lymphoproliferative syndrome 2 (LPFS2). Also called: CD27 DEFICIENCY; Combined immunodeficiency due to CD27 deficiency. Identifiers: Orphanet 238505, MedGen C3554540, MONDO:0014054, OMIM 615122.

gnomAD v4.1: 10 of 1,612,734 alleles (0.00062%); highest among the groups gnomAD compares: East Asian, 0.0089%; no homozygotes.

Submission:

Labcorp Genetics (formerly Invitae), Labcorp
Classification: Uncertain significance for Lymphoproliferative syndrome 2. Last evaluated: 2024-05-13. Review status: criteria provided, single submitter. Criteria: Invitae Variant Classification Sherloc (09022015). Collection method: clinical testing. Allele origin: germline.
Comment: This sequence change replaces proline, which is neutral and non-polar, with leucine, which is neutral and non-polar, at codon 260 of the CD27 protein (p.Pro260Leu). This variant is present in population databases (rs756140861, gnomAD 0.006%). This missense change has been observed in individual(s) with EBV-associated lymphoproliferation (PMID: 34170459). Algorithms developed to predict the effect of missense changes on protein structure and function output the following: SIFT: "Not Available"; PolyPhen-2: "Probably Damaging"; Align-GVGD: "Not Available". The leucine amino acid residue is found in multiple mammalian species, which suggests that this missense change does not adversely affect protein function. In summary, the available evidence is currently insufficient to determine the role of this variant in disease. Therefore, it has been classified as a Variant of Uncertain Significance.

Literature cited by the submitters: PubMed 34170459.